The following is an entry in ClinVar:

NM_000304.4(PMP22):c.125G>T (p.Cys42Phe)

Gene: PMP22 (peripheral myelin protein 22; minus strand). Cytogenetic location: 17p12.
Variant type: single nucleotide variant.
Coding change: c.125G>T on transcript NM_000304.4 (MANE Select); coding-DNA position 125, G replaced by T.
Protein change: p.Cys42Phe; replaces cysteine 42 with phenylalanine.
Molecular consequence: missense variant. On other transcripts: non-coding transcript variant (1).
Genome position (GRCh38, 1-based): chr17:15,259,147, C>A on the plus strand (G>T on the coding strand, the complement: PMP22 is on the minus strand). VCF-style: chr17-15259147-C-A. GRCh37 (hg19) VCF-style: chr17-15162464-C-A.
Other names: c.125G>T, p.Cys42Phe (NM_001281455.2, NM_001281456.2, NM_001330143.2 and 2 more transcripts); short protein forms C42F.
Identifiers: ClinVar variation 4800690 (VCV004800690.1).

ClinVar aggregate classification (germline): Uncertain significance (1 of 4 stars; one submission).

Conditions:
Charcot-Marie-Tooth disease, type I (CMT1). Also called: Charcot-Marie-Tooth, Type 1; Charcot-Marie-Tooth disease type 1. Identifiers: Orphanet 65753, MedGen C0751036, MONDO:0019011.

Submission:

Labcorp Genetics (formerly Invitae), Labcorp
Classification: Uncertain significance for Charcot-Marie-Tooth disease, type I. Last evaluated: 2025-04-02. Review status: criteria provided, single submitter. Criteria: Invitae Variant Classification Sherloc (09022015). Collection method: clinical testing. Allele origin: germline.
Comment: This sequence change replaces cysteine, which is neutral and slightly polar, with phenylalanine, which is neutral and non-polar, at codon 42 of the PMP22 protein (p.Cys42Phe). This variant is not present in population databases (gnomAD no frequency). This variant has not been reported in the literature in individuals affected with PMP22-related conditions. Invitae Evidence Modeling of protein sequence and biophysical properties (such as structural, functional, and spatial information, amino acid conservation, physicochemical variation, residue mobility, and thermodynamic stability) indicates that this missense variant is expected to disrupt PMP22 protein function with a positive predictive value of 95%. In summary, the available evidence is currently insufficient to determine the role of this variant in disease. Therefore, it has been classified as a Variant of Uncertain Significance.